The following is an entry in ClinVar:

ClinVar aggregate classification (germline): Uncertain significance (1 of 4 stars; one submission).

Conditions:
Autism spectrum disorder due to AUTS2 deficiency (MRD26). Also called: INTELLECTUAL DEVELOPMENTAL DISORDER, AUTOSOMAL DOMINANT 26. Identifiers: Orphanet 352490, MedGen C4014435, MONDO:0014361, OMIM 615834.

Submission:

Breda Genetics srl
Classification: Uncertain significance for Autism spectrum disorder due to AUTS2 deficiency. Last evaluated: 2020-10-30. Review status: criteria provided, single submitter. Criteria: ACMG Guidelines, 2015. Collection method: clinical testing. Allele origin: germline. Inheritance: Autosomal dominant inheritance. Affected: yes. Observed: 1 variant allele, 1 heterozygote.
Comment: The variant c.1906A>G (p.Thr636Ala) in the AUTS2 gene has not been reported in dbSNP, gnomAD, 1000 Genomes Project or ClinVar. The nucleotide position is highly conserved across 35 mammalian species (GERP RS: 5.58). In silico analysis gives inconsistent results. Most of pathogenic mutations reported in ClinVar are large deletions/duplications, nonsense, frameshift and splicing, but there is also a minority of missense mutations.

NM_015570.4(AUTS2):c.1906A>G (p.Thr636Ala)

Gene: AUTS2 (activator of transcription and developmental regulator AUTS2; plus strand). Cytogenetic location: 7q11.22.
Variant type: single nucleotide variant.
Coding change: c.1906A>G on transcript NM_015570.4 (MANE Select); coding-DNA position 1906, A replaced by G.
Protein change: p.Thr636Ala; replaces threonine 636 with alanine.
Molecular consequence: missense variant.
Genome position (GRCh38, 1-based): chr7:70,775,360, A>G. VCF-style: chr7-70775360-A-G. GRCh37 (hg19) VCF-style: chr7-70240346-A-G.
Other names: c.1834A>G, p.Thr612Ala (NM_001127231.3); short protein forms T612A, T636A.
Identifiers: ClinVar variation 1027646 (VCV001027646.3), dbSNP rs1790618973, ClinGen allele CA367669633.
Genomic context (GRCh38, chr7:70,775,360, plus strand): 5'-TTAGAGCAATTGTTTGAGTGACAGGCATGTAACCAAGTTGTCATTTTCTCTTCACAGTTG[A>G]CAGATCCTTTCAGACCTATGTTAAGGGTAAGAAAGCTTCTTATAGAACTGTTTTGCAACC-3'
Protein context (NP_056385.1, residues 626-646): HTLLQKDPRL[Thr636Ala]DPFRPMLRKP